The following is an entry in ClinVar:

NM_014425.5(INVS):c.2219G>T (p.Gly740Val)

Gene: INVS (inversin; plus strand). Cytogenetic location: 9q31.1.
Variant type: single nucleotide variant.
Coding change: c.2219G>T on transcript NM_014425.5 (MANE Select); coding-DNA position 2219, G replaced by T.
Protein change: p.Gly740Val; replaces glycine 740 with valine.
Molecular consequence: missense variant. On other transcripts: non-coding transcript variant (1).
Genome position (GRCh38, 1-based): chr9:100,292,476, G>T. VCF-style: chr9-100292476-G-T. GRCh37 (hg19) VCF-style: chr9-103054758-G-T.
Other names: c.1931G>T, p.Gly644Val (NM_001318381.2); c.1241G>T, p.Gly414Val (NM_001318382.2); c.2219G>T (NM_014425.2); short protein forms G740V, G414V, G644V.
Identifiers: ClinVar variation 2147329 (VCV002147329.2), dbSNP rs751220830, ClinGen allele CA196895476.

ClinVar aggregate classification (germline): Uncertain significance. Review status: criteria provided, multiple submitters, no conflicts (2 of 4 stars). 2 submissions from 2 submitters: Uncertain significance (2). Last evaluated 2022-07-27.

Conditions:
Nephronophthisis. Also called: Juvenile Nephronophthisis. Identifiers: Orphanet 655, MedGen C0687120, MONDO:0019005, HP:0000090.
Inborn genetic diseases. Identifiers: MedGen C0950123, MeSH D030342.

gnomAD v4.1: 16 of 1,614,180 alleles (0.00099%); highest among the groups gnomAD compares: Admixed American, 0.0017%; no homozygotes.

Submissions (2):

Labcorp Genetics (formerly Invitae), Labcorp
Classification: Uncertain significance for Nephronophthisis. Last evaluated: 2022-07-27. Review status: criteria provided, single submitter. Criteria: Invitae Variant Classification Sherloc (09022015). Collection method: clinical testing. Allele origin: germline.
Comment: This sequence change replaces glycine, which is neutral and non-polar, with valine, which is neutral and non-polar, at codon 740 of the INVS protein (p.Gly740Val). The frequency data for this variant in the population databases is considered unreliable, as metrics indicate poor data quality at this position in the gnomAD database. This variant has not been reported in the literature in individuals affected with INVS-related conditions. Algorithms developed to predict the effect of missense changes on protein structure and function (SIFT, PolyPhen-2, Align-GVGD) all suggest that this variant is likely to be tolerated. In summary, the available evidence is currently insufficient to determine the role of this variant in disease. Therefore, it has been classified as a Variant of Uncertain Significance.

Ambry Genetics
Classification: Uncertain significance for Inborn genetic diseases. Last evaluated: 2021-12-14. Review status: criteria provided, single submitter. Criteria: Ambry Variant Classification Scheme 2023. Collection method: clinical testing. Allele origin: germline.